The following is an entry in ClinVar:

ClinVar aggregate classification (germline): Likely pathogenic (1 of 4 stars; one submission).

gnomAD v4.1: 1 of 1,614,154 alleles (0.000062%); highest among the groups gnomAD compares: African/African-American, 0.0013%; no homozygotes.

Submission:

Labcorp Genetics (formerly Invitae), Labcorp
Classification: Likely pathogenic. Last evaluated: 2022-11-07. Review status: criteria provided, single submitter. Criteria: Invitae Variant Classification Sherloc (09022015). Collection method: clinical testing. Allele origin: germline.
Comment: Advanced modeling of protein sequence and biophysical properties (such as structural, functional, and spatial information, amino acid conservation, physicochemical variation, residue mobility, and thermodynamic stability) has been performed at Invitae for this missense variant, however the output from this modeling did not meet the statistical confidence thresholds required to predict the impact of this variant on USH2A protein function. ClinVar contains an entry for this variant (Variation ID: 1034651). This missense change has been observed in individual(s) with retinitis pigmentosa (Invitae). In at least one individual the data is consistent with being in trans (on the opposite chromosome) from a pathogenic variant. This variant is not present in population databases (gnomAD no frequency). This sequence change replaces aspartic acid, which is acidic and polar, with asparagine, which is neutral and polar, at codon 4320 of the USH2A protein (p.Asp4320Asn). In summary, the currently available evidence indicates that the variant is pathogenic, but additional data are needed to prove that conclusively. Therefore, this variant has been classified as Likely Pathogenic. This variant disrupts the p.Asp4320 amino acid residue in USH2A. Other variant(s) that disrupt this residue have been determined to be pathogenic (Invitae). This suggests that this residue is clinically significant, and that variants that disrupt this residue are likely to be disease-causing. Algorithms developed to predict the effect of sequence changes on RNA splicing suggest that this variant may create or strengthen a splice site.

NM_206933.4(USH2A):c.12958G>A (p.Asp4320Asn)

Gene: USH2A (usherin; minus strand). Cytogenetic location: 1q41.
Variant type: single nucleotide variant.
Coding change: c.12958G>A on transcript NM_206933.4 (MANE Select); coding-DNA position 12958, G replaced by A.
Protein change: p.Asp4320Asn; replaces aspartic acid 4320 with asparagine.
Molecular consequence: missense variant.
Genome position (GRCh38, 1-based): chr1:215,674,953, C>T on the plus strand (G>A on the coding strand, the complement: USH2A is on the minus strand). VCF-style: chr1-215674953-C-T. GRCh37 (hg19) VCF-style: chr1-215848295-C-T.
Other names: short protein forms D4320N.
Identifiers: ClinVar variation 1034651 (VCV001034651.10), dbSNP rs140202956, ClinGen allele CA344848067.